The following is an entry in ClinVar:

NM_006031.6(PCNT):c.3438C>T (p.Ala1146=)

Gene: PCNT (pericentrin; plus strand). Cytogenetic location: 21q22.3.
Variant type: single nucleotide variant.
Coding change: c.3438C>T on transcript NM_006031.6 (MANE Select); coding-DNA position 3438, C replaced by T.
Protein change: p.Ala1146=; no amino-acid change (alanine 1146 retained).
Molecular consequence: synonymous variant.
Genome position (GRCh38, 1-based): chr21:46,385,957, C>T. VCF-style: chr21-46385957-C-T. GRCh37 (hg19) VCF-style: chr21-47805872-C-T.
Other names: c.3438C>T (NM_006031.5); c.3084C>T, p.Ala1028= (NM_001315529.2).
Identifiers: ClinVar variation 2722282 (VCV002722282.4), dbSNP rs780126629, ClinGen allele CA10079295.

ClinVar aggregate classification (germline): Likely benign. Review status: criteria provided, single submitter (1 of 4 stars). 2 submissions from 2 submitters: Likely benign (1). 1 of the submissions does not count toward it. Last evaluated 2025-08-18.

Conditions:
PCNT-related disorder. Also called: PCNT-related condition.

Allele frequency attached by ClinVar (database versions not stated): ExAC 0.00001.
gnomAD v4.1: 28 of 1,614,046 alleles (0.0017%); highest among the groups gnomAD compares: East Asian, 0.0067%; no homozygotes.

Submissions (2):

Labcorp Genetics (formerly Invitae), Labcorp
Classification: Likely benign. Last evaluated: 2025-08-18. Review status: criteria provided, single submitter. Criteria: Invitae Variant Classification Sherloc (09022015). Collection method: clinical testing. Allele origin: germline.

PreventionGenetics, part of Exact Sciences
Classification: Likely benign for PCNT-related condition. Last evaluated: 2024-07-23. Review status: no assertion criteria provided. Collection method: clinical testing. Allele origin: germline. Not counted in ClinVar's aggregate classification.
Comment: This variant is classified as likely benign based on ACMG/AMP sequence variant interpretation guidelines (Richards et al. 2015 PMID: 25741868, with internal and published modifications).